The following is an entry in ClinVar:

NM_001197104.2(KMT2A):c.4352G>T (p.Cys1451Phe)

Gene: KMT2A (lysine methyltransferase 2A; plus strand). Cytogenetic location: 11q23.3.
Variant type: single nucleotide variant.
Coding change: c.4352G>T on transcript NM_001197104.2 (MANE Select); coding-DNA position 4352, G replaced by T.
Protein change: p.Cys1451Phe; replaces cysteine 1451 with phenylalanine.
Molecular consequence: missense variant.
Genome position (GRCh38, 1-based): chr11:118,488,633, G>T. VCF-style: chr11-118488633-G-T. GRCh37 (hg19) VCF-style: chr11-118359348-G-T.
Other names: c.4451G>T, p.Cys1484Phe (NM_001412597.1); c.4352G>T, p.Cys1451Phe (NM_005933.4); short protein forms C1451F, C1484F.
Identifiers: ClinVar variation 3027321 (VCV003027321.22), dbSNP rs2496902870, ClinGen allele CA382831792.

ClinVar aggregate classification (germline): Uncertain significance (1 of 4 stars; one submission).

Submission:

CeGaT Center for Human Genetics Tuebingen
Classification: Uncertain significance. Last evaluated: 2024-02-01. Review status: criteria provided, single submitter. Criteria: CeGaT Center For Human Genetics Tuebingen Variant Classification Criteria Version 2. Collection method: clinical testing. Allele origin: germline. Affected: yes. Observed: 1 variant allele.
Comment: KMT2A: PM2, PP3